The following is an entry in ClinVar:

ClinVar aggregate classification (germline): Uncertain significance (1 of 4 stars; one submission).

Allele frequency attached by ClinVar (database versions not stated): ExAC 0.00001; gnomAD 0.00001; gnomAD exomes 0.00001; TOPMed 0.00002.

Submission:

Labcorp Genetics (formerly Invitae), Labcorp
Classification: Uncertain significance. Last evaluated: 2022-02-10. Review status: criteria provided, single submitter. Criteria: Invitae Variant Classification Sherloc (09022015). Collection method: clinical testing. Allele origin: germline.
Comment: In summary, the available evidence is currently insufficient to determine the role of this variant in disease. Therefore, it has been classified as a Variant of Uncertain Significance. This sequence change replaces proline, which is neutral and non-polar, with leucine, which is neutral and non-polar, at codon 125 of the RELB protein (p.Pro125Leu). This variant is present in population databases (rs779372112, gnomAD 0.002%). This variant has not been reported in the literature in individuals affected with RELB-related conditions. Algorithms developed to predict the effect of missense changes on protein structure and function are either unavailable or do not agree on the potential impact of this missense change (SIFT: "Deleterious"; PolyPhen-2: "Possibly Damaging"; Align-GVGD: "Class C0").

NM_006509.4(RELB):c.374C>T (p.Pro125Leu)

Gene: RELB (RELB proto-oncogene, NF-kB subunit; plus strand). Cytogenetic location: 19q13.32.
Variant type: single nucleotide variant.
Coding change: c.374C>T on transcript NM_006509.4 (MANE Select); coding-DNA position 374, C replaced by T.
Protein change: p.Pro125Leu; replaces proline 125 with leucine.
Molecular consequence: missense variant.
Genome position (GRCh38, 1-based): chr19:45,012,146, C>T. VCF-style: chr19-45012146-C-T. GRCh37 (hg19) VCF-style: chr19-45515404-C-T.
Other names: short protein forms P125L.
Identifiers: ClinVar variation 1382644 (VCV001382644.6), dbSNP rs779372112, ClinGen allele CA9507544.